The following is an entry in ClinVar:

NM_138386.3(NAF1):c.473A>G (p.Asp158Gly)

Gene: NAF1 (nuclear assembly factor 1 ribonucleoprotein; minus strand). Cytogenetic location: 4q32.2.
Variant type: single nucleotide variant.
Coding change: c.473A>G on transcript NM_138386.3 (MANE Select); coding-DNA position 473, A replaced by G.
Protein change: p.Asp158Gly; replaces aspartic acid 158 with glycine.
Molecular consequence: missense variant.
Genome position (GRCh38, 1-based): chr4:163,164,284, T>C on the plus strand (A>G on the coding strand, the complement: NAF1 is on the minus strand). VCF-style: chr4-163164284-T-C. GRCh37 (hg19) VCF-style: chr4-164085436-T-C.
Other names: c.473A>G, p.Asp158Gly (NM_001128931.2); short protein forms D158G.
Identifiers: ClinVar variation 3611413 (VCV003611413.2).

ClinVar aggregate classification (germline): Uncertain significance (1 of 4 stars; one submission).

gnomAD v4.1: 9 of 1,590,842 alleles (0.00057%); highest among the groups gnomAD compares: Non-Finnish European, 0.00043%; no homozygotes.

Submission:

Labcorp Genetics (formerly Invitae), Labcorp
Classification: Uncertain significance. Last evaluated: 2024-10-02. Review status: criteria provided, single submitter. Criteria: Invitae Variant Classification Sherloc (09022015). Collection method: clinical testing. Allele origin: germline.
Comment: This sequence change replaces aspartic acid, which is acidic and polar, with glycine, which is neutral and non-polar, at codon 158 of the NAF1 protein (p.Asp158Gly). The frequency data for this variant in the population databases is considered unreliable, as metrics indicate poor data quality at this position in the gnomAD database. This variant has not been reported in the literature in individuals affected with NAF1-related conditions. An algorithm developed to predict the effect of missense changes on protein structure and function (PolyPhen-2) suggests that this variant is likely to be tolerated. In summary, the available evidence is currently insufficient to determine the role of this variant in disease. Therefore, it has been classified as a Variant of Uncertain Significance.